The following is an entry in ClinVar:

ClinVar aggregate classification (germline): Uncertain significance (1 of 4 stars; one submission).

Submission:

Labcorp Genetics (formerly Invitae), Labcorp
Classification: Uncertain significance. Last evaluated: 2022-10-18. Review status: criteria provided, single submitter. Criteria: Invitae Variant Classification Sherloc (09022015). Collection method: clinical testing. Allele origin: germline.
Comment: This variant is not present in population databases (gnomAD no frequency). This sequence change replaces arginine, which is basic and polar, with leucine, which is neutral and non-polar, at codon 357 of the SUPT16H protein (p.Arg357Leu). This variant has not been reported in the literature in individuals affected with SUPT16H-related conditions. Algorithms developed to predict the effect of missense changes on protein structure and function are either unavailable or do not agree on the potential impact of this missense change (SIFT: "Deleterious"; PolyPhen-2: "Probably Damaging"; Align-GVGD: "Class C0"). In summary, the available evidence is currently insufficient to determine the role of this variant in disease. Therefore, it has been classified as a Variant of Uncertain Significance.

NM_007192.4(SUPT16H):c.1070G>T (p.Arg357Leu)

Gene: SUPT16H (SPT16 homolog, facilitates chromatin remodeling subunit; minus strand). Cytogenetic location: 14q11.2.
Variant type: single nucleotide variant.
Coding change: c.1070G>T on transcript NM_007192.4 (MANE Select); coding-DNA position 1070, G replaced by T.
Protein change: p.Arg357Leu; replaces arginine 357 with leucine.
Molecular consequence: missense variant.
Genome position (GRCh38, 1-based): chr14:21,365,120, C>A on the plus strand (G>T on the coding strand, the complement: SUPT16H is on the minus strand). VCF-style: chr14-21365120-C-A. GRCh37 (hg19) VCF-style: chr14-21833279-C-A.
Other names: short protein forms R357L.
Identifiers: ClinVar variation 1896578 (VCV001896578.5), dbSNP rs2501765914, ClinGen allele CA388868216.